The following is an entry in ClinVar:

ClinVar aggregate classification (germline): Benign/Likely benign. Review status: criteria provided, multiple submitters, no conflicts (2 of 4 stars). 19 submissions from 18 submitters: Benign (12); Likely benign (2). 5 of the submissions do not count toward it. Last evaluated 2026-09-01.

Conditions:
Connective tissue disorder. Also called: Connective tissue disease. Identifiers: MedGen C0009782, MONDO:0003900.
Fibrochondrogenesis 1 (FBCG1). Identifiers: Orphanet 2021, MedGen C3278138, MONDO:0009226, OMIM 228520.
Stickler syndrome type 2 (STL2). Also called: STICKLER SYNDROME, TYPE II; STICKLER SYNDROME, BEADED VITREOUS TYPE; STICKLER SYNDROME, VITREOUS TYPE 2; COL11A1-Related Stickler Syndrome. Identifiers: Orphanet 828, Orphanet 90654, MedGen C1858084, MONDO:0011493, OMIM 604841.

Allele frequency attached by ClinVar (database versions not stated): ESP Exome Variant Server 0.00308; gnomAD 0.00498 and 0.00507; 1000 Genomes Project 30x 0.00578; 1000 Genomes Project 0.00599; TOPMed 0.00599; ExAC 0.00683; gnomAD exomes 0.00769.
gnomAD v4.1: 7,791 of 1,609,822 alleles (0.48%); highest among the groups gnomAD compares: Admixed American, 2.7%; 49 homozygotes.

Submissions (19):

CeGaT Center for Human Genetics Tuebingen
Classification: Benign. Last evaluated: 2026-09-01. Review status: criteria provided, single submitter. Criteria: CeGaT Center For Human Genetics Tuebingen Variant Classification Criteria Version 2. Collection method: clinical testing. Allele origin: germline. Affected: yes. Observed: 17 variant alleles.
Comment: COL11A1: BS1, BS2

Women's Health and Genetics/Laboratory Corporation of America, LabCorp
Classification: Likely benign. Last evaluated: 2026-05-11. Review status: criteria provided, single submitter. Criteria: LabCorp Variant Classification Summary - May 2015. Collection method: clinical testing. Allele origin: germline.

Labcorp Genetics (formerly Invitae), Labcorp
Classification: Benign. Last evaluated: 2026-02-04. Review status: criteria provided, single submitter. Criteria: Invitae Variant Classification Sherloc (09022015). Collection method: clinical testing. Allele origin: germline.

Blueprint Genetics
Classification: Likely benign. Last evaluated: 2024-11-23. Review status: criteria provided, single submitter. Criteria: ACMG Guidelines, 2015. Collection method: clinical testing. Allele origin: germline.

ARUP Laboratories, Molecular Genetics and Genomics, ARUP Laboratories
Classification: Benign. Last evaluated: 2023-11-22. Review status: criteria provided, single submitter. Criteria: ARUP Molecular Germline Variant Investigation Process 2024. Collection method: clinical testing. Allele origin: germline.

Genome Diagnostics Laboratory, The Hospital for Sick Children
Classification: Benign for Connective tissue disorder. Last evaluated: 2021-11-04. Review status: criteria provided, single submitter. Criteria: ACMG Guidelines, 2015. Collection method: clinical testing. Allele origin: germline.

Athena Diagnostics
Classification: Benign. Last evaluated: 2020-08-06. Review status: criteria provided, single submitter. Criteria: Athena Diagnostics Criteria. Collection method: clinical testing. Allele origin: unknown.

Illumina Laboratory Services, Illumina
Classification: Benign for Stickler syndrome type 2. Last evaluated: 2018-01-13. Review status: criteria provided, single submitter. Criteria: ICSL Variant Classification Criteria 13 December 2019. Collection method: clinical testing. Allele origin: germline.
Comment: This variant was observed in the ICSL laboratory as part of a predisposition screen in an ostensibly healthy population. It had not been previously curated by ICSL or reported in the Human Gene Mutation Database (HGMD: prior to June 1st, 2018), and was therefore a candidate for classification through an automated scoring system. Utilizing variant allele frequency, disease prevalence and penetrance estimates, and inheritance mode, an automated score was calculated to assess if this variant is too frequent to cause the disease. Based on the score and internal cut-off values, a variant classified as benign is not then subjected to further curation. The score for this variant resulted in a classification of benign for this disease.

Illumina Laboratory Services, Illumina
Classification: Benign for Fibrochondrogenesis 1. Last evaluated: 2018-01-13. Review status: criteria provided, single submitter. Criteria: ICSL Variant Classification Criteria 13 December 2019. Collection method: clinical testing. Allele origin: germline.
Comment: the same text as in the submission from Illumina Laboratory Services, Illumina above.

Center for Pediatric Genomic Medicine, Children's Mercy Hospital and Clinics
Classification: Benign. Last evaluated: 2017-04-20. Review status: criteria provided, single submitter. Criteria: ACMG Guidelines, 2015. Collection method: clinical testing. Allele origin: germline.

GeneDx
Classification: Benign. Last evaluated: 2017-02-09. Review status: criteria provided, single submitter. Criteria: GeneDx Variant Classification (06012015). Collection method: clinical testing. Allele origin: germline. Affected: yes.
Comment: This variant is considered likely benign or benign based on one or more of the following criteria: it is a conservative change, it occurs at a poorly conserved position in the protein, it is predicted to be benign by multiple in silico algorithms, and/or has population frequency not consistent with disease.

Eurofins Ntd Llc (ga)
Classification: Benign. Last evaluated: 2014-05-07. Review status: criteria provided, single submitter. Criteria: EGL Classification Definitions 2015. Collection method: clinical testing. Allele origin: germline. Observed: 2 variant alleles, 2 heterozygotes.

Breakthrough Genomics
Classification: Benign. Review status: criteria provided, single submitter. Criteria: ACMG Guidelines, 2015. Collection method: not provided. Allele origin: germline. Inheritance: Autosomal recessive inheritance. Affected: yes.

PreventionGenetics, part of Exact Sciences
Classification: Benign. Review status: criteria provided, single submitter. Criteria: ACMG Guidelines, 2015. Collection method: clinical testing. Allele origin: germline.

Clinical Genetics DNA and cytogenetics Diagnostics Lab, Erasmus MC, Erasmus Medical Center
Classification: Likely benign. Review status: no assertion criteria provided. Collection method: clinical testing. Allele origin: germline. Affected: yes. Study: VKGL Data-share Consensus. Not counted in ClinVar's aggregate classification.

Clinical Genetics, Academic Medical Center
Classification: Benign. Review status: no assertion criteria provided. Collection method: clinical testing. Allele origin: germline. Affected: yes. Study: VKGL Data-share Consensus. Not counted in ClinVar's aggregate classification.

Genome Diagnostics Laboratory, Amsterdam University Medical Center
Classification: Benign. Review status: no assertion criteria provided. Collection method: clinical testing. Allele origin: germline. Affected: yes. Study: VKGL Data-share Consensus. Not counted in ClinVar's aggregate classification.

Joint Genome Diagnostic Labs from Nijmegen and Maastricht, Radboudumc and MUMC+
Classification: Benign. Review status: no assertion criteria provided. Collection method: clinical testing. Allele origin: germline. Affected: yes. Study: VKGL Data-share Consensus. Not counted in ClinVar's aggregate classification.

Laboratory of Diagnostic Genome Analysis, Leiden University Medical Center (LUMC)
Classification: Likely benign. Review status: no assertion criteria provided. Collection method: clinical testing. Allele origin: germline. Affected: yes. Study: VKGL Data-share Consensus. Not counted in ClinVar's aggregate classification.

Literature cited by the submitters: PubMed 23967202 (cited by Athena Diagnostics); PubMed 30245029 (cited by Athena Diagnostics).

NM_001854.4(COL11A1):c.2578T>A (p.Phe860Ile)

Gene: COL11A1 (collagen type XI alpha 1 chain; minus strand). Cytogenetic location: 1p21.1.
Variant type: single nucleotide variant.
Coding change: c.2578T>A on transcript NM_001854.4 (MANE Select); coding-DNA position 2578, T replaced by A.
Protein change: p.Phe860Ile; replaces phenylalanine 860 with isoleucine.
Molecular consequence: missense variant. On other transcripts: non-coding transcript variant (1).
Genome position (GRCh38, 1-based): chr1:102,979,414, A>T on the plus strand (T>A on the coding strand, the complement: COL11A1 is on the minus strand). VCF-style: chr1-102979414-A-T. GRCh37 (hg19) VCF-style: chr1-103444970-A-T.
Other names: c.2461T>A, p.Phe821Ile (NM_001190709.2); c.2614T>A, p.Phe872Ile (NM_080629.3); c.2230T>A, p.Phe744Ile (NM_080630.4); short protein forms F872I, F860I, F744I, F821I.
Identifiers: ClinVar variation 196779 (VCV000196779.58), dbSNP rs141548164, ClinGen allele CA202585.